The following is an entry in ClinVar:

ClinVar aggregate classification (germline): Uncertain significance (1 of 4 stars; one submission).

Conditions:
Hereditary cancer-predisposing syndrome. Also called: Hereditary neoplastic syndrome; Neoplastic Syndromes, Hereditary; Tumor predisposition; Hereditary Cancer Syndrome. Identifiers: Orphanet 140162, MedGen C0027672, MeSH D009386, MONDO:0015356.

Allele frequency attached by ClinVar (database versions not stated): gnomAD exomes below 0.00001.
gnomAD v4.1: 1 of 1,608,350 alleles (0.000062%); highest among the groups gnomAD compares: East Asian, 0.0022%; no homozygotes.

Submission:

Ambry Genetics
Classification: Uncertain significance for Hereditary cancer-predisposing syndrome. Last evaluated: 2025-07-01. Review status: criteria provided, single submitter. Criteria: Ambry Variant Classification Scheme 2023. Collection method: clinical testing. Allele origin: germline.
Comment: The p.I2647T variant (also known as c.7940T>C), located in coding exon 53 of the ATM gene, results from a T to C substitution at nucleotide position 7940. The isoleucine at codon 2647 is replaced by threonine, an amino acid with similar properties. This amino acid position is highly conserved in available vertebrate species. In addition, this alteration is predicted to be deleterious by in silico analysis. Based on the available evidence, the clinical significance of this variant remains unclear.

NM_000051.4(ATM):c.7940T>C (p.Ile2647Thr)

Genes: ATM (ATM serine/threonine kinase; plus strand), C11orf65 (chromosome 11 open reading frame 65; minus strand). Cytogenetic location: 11q22.3.
Variant type: single nucleotide variant.
Coding change: c.7940T>C on transcript NM_000051.4 (MANE Select); coding-DNA position 7940, T replaced by C.
Protein change: p.Ile2647Thr; replaces isoleucine 2647 with threonine.
Molecular consequence: missense variant. On other transcripts: intron variant (2).
Genome position (GRCh38, 1-based): chr11:108,333,898, T>C. VCF-style: chr11-108333898-T-C. GRCh37 (hg19) VCF-style: chr11-108204625-T-C.
Other names: c.7940T>C, p.Ile2647Thr (NM_001351834.2); c.641-24827A>G (NM_001330368.2); c.*38+1322A>G (NM_001351110.2); short protein forms I2647T.
Identifiers: ClinVar variation 1761328 (VCV001761328.3), dbSNP rs2547313015, ClinGen allele CA382561677.